The following is an entry in ClinVar:

ClinVar aggregate classification (germline): Uncertain significance (1 of 4 stars; one submission).

Conditions:
Lethal multiple pterygium syndrome (LMPS). Identifiers: Orphanet 33108, MedGen C1854678, MONDO:0009668, OMIM 253290.

Submission:

Labcorp Genetics (formerly Invitae), Labcorp
Classification: Uncertain significance for Lethal multiple pterygium syndrome. Last evaluated: 2021-01-02. Review status: criteria provided, single submitter. Criteria: Invitae Variant Classification Sherloc (09022015). Collection method: clinical testing. Allele origin: germline.
Comment: In summary, the available evidence is currently insufficient to determine the role of this variant in disease. Therefore, it has been classified as a Variant of Uncertain Significance. Advanced modeling of protein sequence and biophysical properties (such as structural, functional, and spatial information, amino acid conservation, physicochemical variation, residue mobility, and thermodynamic stability) performed at Invitae indicates that this missense variant is expected to disrupt CHRND protein function. This variant has not been reported in the literature in individuals with CHRND-related conditions. This variant is not present in population databases (ExAC no frequency). This sequence change replaces arginine with glycine at codon 471 of the CHRND protein (p.Arg471Gly). The arginine residue is highly conserved and there is a moderate physicochemical difference between arginine and glycine.

NM_000751.3(CHRND):c.1411C>G (p.Arg471Gly)

Gene: CHRND (cholinergic receptor nicotinic delta subunit; plus strand). Cytogenetic location: 2q37.1.
Variant type: single nucleotide variant.
Coding change: c.1411C>G on transcript NM_000751.3 (MANE Select); coding-DNA position 1411, C replaced by G.
Protein change: p.Arg471Gly; replaces arginine 471 with glycine.
Molecular consequence: missense variant.
Genome position (GRCh38, 1-based): chr2:232,535,169, C>G. VCF-style: chr2-232535169-C-G. GRCh37 (hg19) VCF-style: chr2-233399879-C-G.
Other names: c.1366C>G, p.Arg456Gly (NM_001256657.2); c.829C>G, p.Arg277Gly (NM_001311195.2); c.1108C>G, p.Arg370Gly (NM_001311196.2); short protein forms R277G, R370G, R471G, R456G.
Identifiers: ClinVar variation 1381105 (VCV001381105.8), dbSNP rs533115724, ClinGen allele CA351005965.